The following is an entry in ClinVar:

NM_005732.4(RAD50):c.3389+5G>A

Gene: RAD50 (RAD50 double strand break repair protein; plus strand). Cytogenetic location: 5q31.1.
Variant type: single nucleotide variant.
Coding change: c.3389+5G>A on transcript NM_005732.4 (MANE Select); 5 bases into the intron after coding-DNA position 3389, G replaced by A.
Molecular consequence: intron variant.
Genome position (GRCh38, 1-based): chr5:132,618,299, G>A. VCF-style: chr5-132618299-G-A. GRCh37 (hg19) VCF-style: chr5-131953991-G-A.
Identifiers: ClinVar variation 185949 (VCV000185949.14), dbSNP rs786202582, ClinGen allele CA193469.

ClinVar aggregate classification (germline): Uncertain significance. Review status: criteria provided, multiple submitters, no conflicts (2 of 4 stars). 3 submissions from 3 submitters: Uncertain significance (3). Last evaluated 2023-09-06.

Conditions:
Hereditary cancer-predisposing syndrome. Also called: Hereditary neoplastic syndrome; Neoplastic Syndromes, Hereditary; Tumor predisposition; Hereditary Cancer Syndrome. Identifiers: Orphanet 140162, MedGen C0027672, MeSH D009386, MONDO:0015356.
Nijmegen breakage syndrome-like disorder (NBSLD). Also called: MICROCEPHALY AND SPONTANEOUS CHROMOSOME INSTABILITY WITHOUT IMMUNODEFICIENCY; NBS-LIKE DISORDER; RAD50 DEFICIENCY. Identifiers: Orphanet 240760, MedGen C2751318, MONDO:0013118, OMIM 613078.

Allele frequency attached by ClinVar (database versions not stated): TOPMed below 0.00001; gnomAD 0.00001.
gnomAD v4.1: 6 of 1,613,636 alleles (0.00037%); highest among the groups gnomAD compares: Non-Finnish European, 0.00042%; no homozygotes.

Submissions (3):

Baylor Genetics
Classification: Uncertain significance for Nijmegen breakage syndrome-like disorder. Last evaluated: 2023-09-06. Review status: criteria provided, single submitter. Criteria: ACMG Guidelines, 2015. Collection method: clinical testing. Allele origin: unknown.

Labcorp Genetics (formerly Invitae), Labcorp
Classification: Uncertain significance for Hereditary cancer-predisposing syndrome. Last evaluated: 2022-04-30. Review status: criteria provided, single submitter. Criteria: Invitae Variant Classification Sherloc (09022015). Collection method: clinical testing. Allele origin: germline.
Comment: In summary, the available evidence is currently insufficient to determine the role of this variant in disease. Therefore, it has been classified as a Variant of Uncertain Significance. Variants that disrupt the consensus splice site are a relatively common cause of aberrant splicing (PMID: 17576681, 9536098). Algorithms developed to predict the effect of sequence changes on RNA splicing suggest that this variant may disrupt the consensus splice site. ClinVar contains an entry for this variant (Variation ID: 185949). This variant has not been reported in the literature in individuals affected with RAD50-related conditions. This variant is not present in population databases (gnomAD no frequency). This sequence change falls in intron 21 of the RAD50 gene. It does not directly change the encoded amino acid sequence of the RAD50 protein. It affects a nucleotide within the consensus splice site.

Ambry Genetics
Classification: Uncertain significance for Hereditary cancer-predisposing syndrome. Last evaluated: 2017-04-19. Review status: criteria provided, single submitter. Criteria: Ambry Variant Classification Scheme 2023. Collection method: clinical testing. Allele origin: germline.
Comment: The c.3389+5G>A intronic variant results from a G to A substitution 5 nucleotides after coding exon 21 in the RAD50 gene. This nucleotide position is highly conserved in available vertebrate species. Using the BDGP and ESEfinder splice site prediction tools, this alteration is predicted to weaken the efficiency of the native donor splice site; however, direct evidence is unavailable. Since supporting evidence is limited at this time, the clinical significance of this alteration remains unclear.

Literature cited by the submitters: PubMed 17576681 (cited by Labcorp Genetics (formerly Invitae), Labcorp); PubMed 9536098 (cited by Labcorp Genetics (formerly Invitae), Labcorp).